The following is an entry in ClinVar:

ClinVar aggregate classification (germline): Uncertain significance (1 of 4 stars; one submission).

Conditions:
Hereditary cancer-predisposing syndrome. Also called: Hereditary Cancer Syndrome; Hereditary neoplastic syndrome; Neoplastic Syndromes, Hereditary; Tumor predisposition. Identifiers: Orphanet 140162, MedGen C0027672, MeSH D009386, MONDO:0015356.

Submission:

Ambry Genetics
Classification: Uncertain significance for Hereditary cancer-predisposing syndrome. Last evaluated: 2026-08-28. Review status: criteria provided, single submitter. Criteria: Ambry Variant Classification Scheme 2023. Collection method: clinical testing. Allele origin: germline.
Comment: The p.S113C variant (also known as c.338C>G), located in coding exon 1 of the MEN1 gene, results from a C to G substitution at nucleotide position 338. The serine at codon 113 is replaced by cysteine, an amino acid with dissimilar properties. This amino acid position is conserved. In addition, this alteration is predicted to be deleterious by in silico analysis. Since supporting evidence is limited at this time, the clinical significance of this alteration remains unclear.

NM_001370259.2(MEN1):c.338C>G (p.Ser113Cys)

Gene: MEN1 (menin 1; minus strand). Cytogenetic location: 11q13.1.
Variant type: single nucleotide variant.
Coding change: c.338C>G on transcript NM_001370259.2 (MANE Select); coding-DNA position 338, C replaced by G.
Protein change: p.Ser113Cys; replaces serine 113 with cysteine.
Molecular consequence: missense variant. On other transcripts: non-coding transcript variant (4).
Genome position (GRCh38, 1-based): chr11:64,809,772, G>C on the plus strand (C>G on the coding strand, the complement: MEN1 is on the minus strand). VCF-style: chr11-64809772-G-C. GRCh37 (hg19) VCF-style: chr11-64577244-G-C.
Other names: c.338C>G, p.Ser113Cys (NM_000244.4, NM_001370251.2, NM_001370260.2 and 20 more transcripts); short protein forms S113C.
Identifiers: ClinVar variation 2450236 (VCV002450236.3), dbSNP rs1941986326, ClinGen allele CA381187377.